The following is an entry in ClinVar:

ClinVar aggregate classification (germline): Uncertain significance (1 of 4 stars; one submission).

Conditions:
VPS13B-related disorder. Also called: VPS13B-related condition.

gnomAD v4.1: 1 of 1,614,224 alleles (0.000062%); highest among the groups gnomAD compares: South Asian, 0.0011%; no homozygotes.

Submission:

PreventionGenetics, part of Exact Sciences
Classification: Uncertain significance for VPS13B-related condition. Last evaluated: 2026-04-30. Review status: criteria provided, single submitter. Criteria: ACMG Guidelines, 2015. Collection method: clinical testing. Allele origin: germline.
Comment: The VPS13B c.11431C>A variant is predicted to result in the amino acid substitution p.Gln3811Lys. To our knowledge, this variant has not been reported in the literature. This variant is reported in 0.0033% of alleles in individuals of South Asian descent in gnomAD. At this time, the clinical significance of this variant is uncertain due to the absence of conclusive functional and genetic evidence.

NM_152564.5(VPS13B):c.11431C>A (p.Gln3811Lys)

Gene: VPS13B (vacuolar protein sorting 13 homolog B; plus strand). Cytogenetic location: 8q22.2.
Variant type: single nucleotide variant.
Coding change: c.11431C>A on transcript NM_152564.5 (MANE Select); coding-DNA position 11431, C replaced by A.
Protein change: p.Gln3811Lys; replaces glutamine 3811 with lysine.
Molecular consequence: missense variant.
Genome position (GRCh38, 1-based): chr8:99,870,823, C>A. VCF-style: chr8-99870823-C-A. GRCh37 (hg19) VCF-style: chr8-100883051-C-A.
Other names: c.11506C>A, p.Gln3836Lys (NM_017890.5); short protein forms Q3811K, Q3836K.
Identifiers: ClinVar variation 4994458 (VCV004994458.1).